The following is an entry in ClinVar:

NM_004329.3(BMPR1A):c.475T>C (p.Ser159Pro)

Gene: BMPR1A (bone morphogenetic protein receptor type 1A; plus strand). Cytogenetic location: 10q23.2.
Variant type: single nucleotide variant.
Coding change: c.475T>C on transcript NM_004329.3 (MANE Select); coding-DNA position 475, T replaced by C.
Protein change: p.Ser159Pro; replaces serine 159 with proline.
Molecular consequence: missense variant.
Genome position (GRCh38, 1-based): chr10:86,900,071, T>C. VCF-style: chr10-86900071-T-C. GRCh37 (hg19) VCF-style: chr10-88659828-T-C.
Other names: short protein forms S159P.
Identifiers: ClinVar variation 489697 (VCV000489697.17), dbSNP rs767157505, ClinGen allele CA5585531.

ClinVar aggregate classification (germline): Uncertain significance. Review status: criteria provided, multiple submitters, no conflicts (2 of 4 stars). 5 submissions from 5 submitters: Uncertain significance (5). Last evaluated 2024-07-10.

Conditions:
Hereditary cancer-predisposing syndrome. Also called: Tumor predisposition; Neoplastic Syndromes, Hereditary; Hereditary Cancer Syndrome; Hereditary neoplastic syndrome. Identifiers: Orphanet 140162, MedGen C0027672, MeSH D009386, MONDO:0015356.
Juvenile polyposis syndrome (JPS). Identifiers: Orphanet 2929, MedGen C0345893, MONDO:0017380, OMIM 174900.

Allele frequency attached by ClinVar (database versions not stated): gnomAD exomes below 0.00001; ExAC 0.00001.
gnomAD v4.1: 1 of 1,614,178 alleles (0.000062%); highest among the groups gnomAD compares: South Asian, 0.0011%; no homozygotes.

Submissions (5):

All of Us Research Program, National Institutes of Health
Classification: Uncertain significance for Juvenile polyposis syndrome. Last evaluated: 2024-07-10. Review status: criteria provided, single submitter. Criteria: ACMG Guidelines, 2015. Collection method: clinical testing. Allele origin: germline. Inheritance: Autosomal dominant inheritance. Observed: 1 variant allele, 1 heterozygote.
Comment: This missense variant replaces serine with proline at codon 159 of the BMPR1A protein. Computational prediction is inconclusive regarding the impact of this variant on protein structure and function (internally defined REVEL score threshold 0.5 < inconclusive < 0.7, PMID: 27666373). To our knowledge, functional studies have not been reported for this variant. This variant has not been reported in individuals affected with BMPR1A-related disorders in the literature. This variant has been identified in 1/251338 chromosomes in the general population by the Genome Aggregation Database (gnomAD). The available evidence is insufficient to determine the role of this variant in disease conclusively. Therefore, this variant is classified as a Variant of Uncertain Significance.

This study involves interpretation of variants in research participants for the purpose of population health screening. Participant phenotype was not available at the time of variant classification. Additional details can be found in publication PMID: 35346344, PMCID: PMC8962531

Labcorp Genetics (formerly Invitae), Labcorp
Classification: Uncertain significance for Juvenile polyposis syndrome. Last evaluated: 2024-05-23. Review status: criteria provided, single submitter. Criteria: Invitae Variant Classification Sherloc (09022015). Collection method: clinical testing. Allele origin: germline.
Comment: This sequence change replaces serine, which is neutral and polar, with proline, which is neutral and non-polar, at codon 159 of the BMPR1A protein (p.Ser159Pro). This variant is present in population databases (rs767157505, gnomAD 0.003%). This variant has not been reported in the literature in individuals affected with BMPR1A-related conditions. ClinVar contains an entry for this variant (Variation ID: 489697). Advanced modeling of protein sequence and biophysical properties (such as structural, functional, and spatial information, amino acid conservation, physicochemical variation, residue mobility, and thermodynamic stability) performed at Invitae indicates that this missense variant is not expected to disrupt BMPR1A protein function with a negative predictive value of 80%. In summary, the available evidence is currently insufficient to determine the role of this variant in disease. Therefore, it has been classified as a Variant of Uncertain Significance.

Color Diagnostics, LLC DBA Color Health
Classification: Uncertain significance for Hereditary cancer-predisposing syndrome. Last evaluated: 2024-04-23. Review status: criteria provided, single submitter. Criteria: ACMG Guidelines, 2015. Collection method: clinical testing. Allele origin: germline.
Comment: This missense variant replaces serine with proline at codon 159 of the BMPR1A protein. Computational prediction is inconclusive regarding the impact of this variant on protein structure and function (internally defined REVEL score threshold 0.5 < inconclusive < 0.7, PMID: 27666373). To our knowledge, functional studies have not been reported for this variant. This variant has not been reported in individuals affected with BMPR1A-related disorders in the literature. This variant has been identified in 1/251338 chromosomes in the general population by the Genome Aggregation Database (gnomAD). The available evidence is insufficient to determine the role of this variant in disease conclusively. Therefore, this variant is classified as a Variant of Uncertain Significance.

Ambry Genetics
Classification: Uncertain significance for Hereditary cancer-predisposing syndrome. Last evaluated: 2024-04-19. Review status: criteria provided, single submitter. Criteria: Ambry Variant Classification Scheme 2023. Collection method: clinical testing. Allele origin: germline.
Comment: The p.S159P variant (also known as c.475T>C), located in coding exon 5 of the BMPR1A gene, results from a T to C substitution at nucleotide position 475. The serine at codon 159 is replaced by proline, an amino acid with similar properties. This amino acid position is highly conserved in available vertebrate species. In addition, the in silico prediction for this alteration is inconclusive. Based on the available evidence, the clinical significance of this variant remains unclear.

GeneDx
Classification: Uncertain significance. Last evaluated: 2019-05-02. Review status: criteria provided, single submitter. Criteria: GeneDx Variant Classification Process June 2021. Collection method: clinical testing. Allele origin: germline. Affected: yes.
Comment: Not observed at a significant frequency in large population cohorts (Lek et al., 2016); In silico analysis, which includes protein predictors and evolutionary conservation, supports that this variant does not alter protein structure/function; Has not been previously published as pathogenic or benign to our knowledge